The following is an entry in ClinVar:

ClinVar aggregate classification (germline): Uncertain significance (1 of 4 stars; one submission).

Submission:

Labcorp Genetics (formerly Invitae), Labcorp
Classification: Uncertain significance. Last evaluated: 2025-03-19. Review status: criteria provided, single submitter. Criteria: Invitae Variant Classification Sherloc (09022015). Collection method: clinical testing. Allele origin: germline.
Comment: This sequence change replaces proline, which is neutral and non-polar, with serine, which is neutral and polar, at codon 517 of the GFM2 protein (p.Pro517Ser). This variant is not present in population databases (gnomAD no frequency). This variant has not been reported in the literature in individuals affected with GFM2-related conditions. Invitae Evidence Modeling of protein sequence and biophysical properties (such as structural, functional, and spatial information, amino acid conservation, physicochemical variation, residue mobility, and thermodynamic stability) indicates that this missense variant is expected to disrupt GFM2 protein function with a positive predictive value of 80%. In summary, the available evidence is currently insufficient to determine the role of this variant in disease. Therefore, it has been classified as a Variant of Uncertain Significance.

NM_032380.5(GFM2):c.1549C>T (p.Pro517Ser)

Gene: GFM2 (GTP dependent ribosome recycling factor mitochondrial 2; minus strand). Cytogenetic location: 5q13.3.
Variant type: single nucleotide variant.
Coding change: c.1549C>T on transcript NM_032380.5 (MANE Select); coding-DNA position 1549, C replaced by T.
Protein change: p.Pro517Ser; replaces proline 517 with serine.
Molecular consequence: missense variant. On other transcripts: non-coding transcript variant (1).
Genome position (GRCh38, 1-based): chr5:74,733,060, G>A on the plus strand (C>T on the coding strand, the complement: GFM2 is on the minus strand). VCF-style: chr5-74733060-G-A. GRCh37 (hg19) VCF-style: chr5-74028885-G-A.
Other names: c.1645C>T, p.Pro549Ser (NM_001281302.2); c.1408C>T, p.Pro470Ser (NM_170691.3); short protein forms P470S, P517S, P549S.
Identifiers: ClinVar variation 4703485 (VCV004703485.1).
Genomic context (GRCh38, chr5:74,733,060, plus strand): 5'-AGTTTAGCAATAATATACCTACTTGTCCAGAGTCAGGATCTAGCCTCACTTTCAAACTGG[G>A]ATCTTCACGCTGAAGACATTTCAACGCATGTTCCAAATCTATGGGATAAACAACTGTTAT-3'
Protein context (NP_115756.2, residues 507-527): HALKCLQRED[Pro517Ser]SLKVRLDPDS